The following is an entry in ClinVar:

NM_001377.3(DYNC2H1):c.1078C>T (p.Arg360Ter)

Gene: DYNC2H1 (dynein cytoplasmic 2 heavy chain 1; plus strand). Cytogenetic location: 11q22.3.
Variant type: single nucleotide variant.
Coding change: c.1078C>T on transcript NM_001377.3 (MANE Select); coding-DNA position 1078, C replaced by T.
Protein change: p.Arg360Ter; replaces arginine 360 with a stop codon.
Molecular consequence: nonsense.
Genome position (GRCh38, 1-based): chr11:103,120,525, C>T. VCF-style: chr11-103120525-C-T. GRCh37 (hg19) VCF-style: chr11-102991254-C-T.
Other names: c.1078C>T, p.Arg360Ter (NM_001080463.2); short protein forms R360*.
Identifiers: ClinVar variation 446560 (VCV000446560.14), dbSNP rs764769351, ClinGen allele CA6252675.

ClinVar aggregate classification (germline): Pathogenic. Review status: criteria provided, multiple submitters, no conflicts (2 of 4 stars). 5 submissions from 5 submitters: Pathogenic (3). 2 of the submissions do not count toward it. Last evaluated 2026-08-10.

Conditions:
Jeune thoracic dystrophy. Also called: Infantile thoracic dystrophy; Thoracic pelvic phalangeal dystrophy; Jeune's syndrome; Chondroectodermal dysplasia-like syndrome; Short-rib thoracic dysplasia; Jeune syndrome. Identifiers: Orphanet 474, MedGen C0265275, MONDO:0018770.
Asphyxiating thoracic dystrophy 3. Also called: SHORT-RIB THORACIC DYSPLASIA 3 WITH OR WITHOUT POLYDACTYLY; Saldino-Noonan Syndrome; SHORT-RIB THORACIC DYSPLASIA 3/6 WITH POLYDACTYLY, DIGENIC; POLYDACTYLY WITH NEONATAL CHONDRODYSTROPHY, TYPE I; Short rib polydactyly syndrome 2B. Identifiers: Orphanet 474, Orphanet 93269, Orphanet 93270, Orphanet 93271, MedGen C0036069, MONDO:0013127, OMIM 613091.

Allele frequency attached by ClinVar (database versions not stated): ExAC 0.00001; gnomAD exomes 0.00001.
gnomAD v4.1: 7 of 1,612,996 alleles (0.00043%); highest among the groups gnomAD compares: East Asian, 0.0022%; no homozygotes.

Submissions (5):

Myriad Genetics, Inc.
Classification: Pathogenic for Asphyxiating thoracic dystrophy 3. Last evaluated: 2026-08-10. Review status: criteria provided, single submitter. Criteria: Myriad Autosomal Dominant, Autosomal Recessive and X-Linked Classification Criteria (2023). Collection method: clinical testing. Allele origin: unknown.
Comment: NM_001377.2(DYNC2H1):c.1078C>T(R360*) is expected to be pathogenic in the context of DYNC2H1-related disorders. This variant is predicted to lead to an abnormal or absent protein product due to the creation of a premature termination codon in DYNC2H1, a gene where loss-of-function variants are known to be pathogenic. Please note: this variant was assessed in the context of healthy population screening.

Labcorp Genetics (formerly Invitae), Labcorp
Classification: Pathogenic for Jeune thoracic dystrophy. Last evaluated: 2023-10-07. Review status: criteria provided, single submitter. Criteria: Invitae Variant Classification Sherloc (09022015). Collection method: clinical testing. Allele origin: germline.
Comment: This sequence change creates a premature translational stop signal (p.Arg360*) in the DYNC2H1 gene. It is expected to result in an absent or disrupted protein product. Loss-of-function variants in DYNC2H1 are known to be pathogenic (PMID: 23339108, 32753734, 33755199). This variant is present in population databases (rs764769351, gnomAD 0.003%). This premature translational stop signal has been observed in individual(s) with short rib-polydactyly syndrome (PMID: 29068549). ClinVar contains an entry for this variant (Variation ID: 446560). Algorithms developed to predict the effect of sequence changes on RNA splicing suggest that this variant may disrupt the consensus splice site. For these reasons, this variant has been classified as Pathogenic.

Juno Genomics, Hangzhou Juno Genomics, Inc
Classification: Pathogenic for Asphyxiating thoracic dystrophy 3. Review status: criteria provided, single submitter. Criteria: ACMG Guidelines, 2015. Collection method: clinical testing. Allele origin: germline.
Comment: Absent from controls (or at extremely low frequency if recessive) in Genome Aggregation Database.;Null variant in a gene where loss of function (LOF) is a known mechanism of disease.;For recessive disorders, detected in trans with a pathogenic variant.;Patient's phenotype or family history is highly specific for a disease with a single genetic etiology.

Dan Cohn Lab, University Of California Los Angeles
Classification: Pathogenic for Asphyxiating thoracic dystrophy 3. Last evaluated: 2017-06-01. Review status: no assertion criteria provided. Collection method: research. Allele origin: paternal. Affected: yes. Not counted in ClinVar's aggregate classification.

University of Washington Center for Mendelian Genomics, University of Washington
Classification: Likely pathogenic for Asphyxiating thoracic dystrophy 3. Review status: no assertion criteria provided. Collection method: research. Allele origin: inherited. Affected: yes. Not counted in ClinVar's aggregate classification.

Literature cited by the submitters: PubMed 23339108 (cited by Labcorp Genetics (formerly Invitae), Labcorp); PubMed 32753734 (cited by Labcorp Genetics (formerly Invitae), Labcorp); PubMed 33755199 (cited by Labcorp Genetics (formerly Invitae), Labcorp); PubMed 29068549 (cited by 3 submitters).